The following is an entry in ClinVar:

NM_016169.4(SUFU):c.1010A>G (p.His337Arg)

Gene: SUFU (SUFU negative regulator of hedgehog signaling; plus strand). Cytogenetic location: 10q24.32.
Variant type: single nucleotide variant.
Coding change: c.1010A>G on transcript NM_016169.4 (MANE Select); coding-DNA position 1010, A replaced by G.
Protein change: p.His337Arg; replaces histidine 337 with arginine.
Molecular consequence: missense variant.
Genome position (GRCh38, 1-based): chr10:102,599,532, A>G. VCF-style: chr10-102599532-A-G. GRCh37 (hg19) VCF-style: chr10-104359289-A-G.
Other names: c.1010A>G, p.His337Arg (NM_001178133.2); short protein forms H337R.
Identifiers: ClinVar variation 654891 (VCV000654891.17), dbSNP rs377274250, ClinGen allele CA5667836.

ClinVar aggregate classification (germline): Conflicting classifications of pathogenicity. Review status: criteria provided, conflicting classifications (1 of 4 stars). 4 submissions from 4 submitters: Uncertain significance (3); Likely benign (1). Last evaluated 2026-01-20.

Conditions:
Gorlin syndrome. Also called: Basal cell nevus syndrome; Nevoid Basal Cell Carcinoma Syndrome. Identifiers: Orphanet 377, MedGen C0004779, MONDO:0007187.
Medulloblastoma (MDB). Also called: Medulloblastoma, somatic; MEDULLOBLASTOMA PREDISPOSITION SYNDROME. Identifiers: Orphanet 616, MedGen C0025149, MeSH D008527, MONDO:0007959, OMIM 155255, HP:0002885.
Hereditary cancer-predisposing syndrome. Also called: Neoplastic Syndromes, Hereditary; Tumor predisposition; Hereditary Cancer Syndrome; Hereditary neoplastic syndrome. Identifiers: Orphanet 140162, MedGen C0027672, MeSH D009386, MONDO:0015356.

Allele frequency attached by ClinVar (database versions not stated): gnomAD exomes 0.00001 and 0.00004; TOPMed 0.00001; ExAC 0.00002; gnomAD 0.00002; ESP Exome Variant Server 0.00008.
gnomAD v4.1: 62 of 1,614,004 alleles (0.0038%); highest among the groups gnomAD compares: Non-Finnish European, 0.0048%; no homozygotes.

Submissions (4):

Labcorp Genetics (formerly Invitae), Labcorp
Classification: Uncertain significance for Gorlin syndrome; Medulloblastoma. Last evaluated: 2026-01-20. Review status: criteria provided, single submitter. Criteria: Invitae Variant Classification Sherloc (09022015). Collection method: clinical testing. Allele origin: germline.
Comment: This sequence change replaces histidine, which is basic and polar, with arginine, which is basic and polar, at codon 337 of the SUFU protein (p.His337Arg). This variant is present in population databases (rs377274250, gnomAD 0.004%). This variant has not been reported in the literature in individuals affected with SUFU-related conditions. ClinVar contains an entry for this variant (Variation ID: 654891). Invitae Evidence Modeling of protein sequence and biophysical properties (such as structural, functional, and spatial information, amino acid conservation, physicochemical variation, residue mobility, and thermodynamic stability) indicates that this missense variant is not expected to disrupt SUFU protein function with a negative predictive value of 80%. In summary, the available evidence is currently insufficient to determine the role of this variant in disease. Therefore, it has been classified as a Variant of Uncertain Significance.

Quest Diagnostics Nichols Institute San Juan Capistrano
Classification: Uncertain significance. Last evaluated: 2025-08-08. Review status: criteria provided, single submitter. Criteria: Quest Diagnostics criteria. Collection method: clinical testing. Allele origin: unknown.
Comment: The SUFU c.1010A>G (p.His337Arg) variant has not been reported in individuals with SUFU-related conditions in the published literature. The frequency of this variant in the general population (Genome Aggregation Database) is uninformative in the assessment of its pathogenicity. Analysis of this variant using bioinformatics tools for the prediction of the effect of amino acid changes on protein structure and function yielded predictions that this variant is benign. Based on the available information, we are unable to determine the clinical significance of this variant.

GeneDx
Classification: Uncertain significance. Last evaluated: 2024-01-19. Review status: criteria provided, single submitter. Criteria: GeneDx Variant Classification Process June 2021. Collection method: clinical testing. Allele origin: germline.
Comment: Not observed at significant frequency in large population cohorts (gnomAD); In silico analysis supports that this missense variant does not alter protein structure/function; Has not been previously published as pathogenic or benign to our knowledge; This variant is associated with the following publications: (PMID: 24311597)

Ambry Genetics
Classification: Likely benign for Hereditary cancer-predisposing syndrome. Last evaluated: 2023-05-11. Review status: criteria provided, single submitter. Criteria: Ambry Variant Classification Scheme 2023. Collection method: clinical testing. Allele origin: germline.